The following is an entry in ClinVar:

ClinVar aggregate classification (germline): Uncertain significance. Review status: criteria provided, multiple submitters, no conflicts (2 of 4 stars). 2 submissions from 2 submitters: Uncertain significance (2). Last evaluated 2023-02-13.

Allele frequency attached by ClinVar (database versions not stated): ExAC 0.00005; gnomAD 0.00006; gnomAD exomes 0.00006 and 0.00010; TOPMed 0.00006; ESP Exome Variant Server 0.00008.
gnomAD v4.1: 160 of 1,613,922 alleles (0.0099%); highest among the groups gnomAD compares: Non-Finnish European, 0.012%; no homozygotes.

Submissions (2):

Blueprint Genetics
Classification: Uncertain significance. Last evaluated: 2023-02-13. Review status: criteria provided, single submitter. Criteria: ACMG Guidelines, 2015. Collection method: clinical testing. Allele origin: germline.

Labcorp Genetics (formerly Invitae), Labcorp
Classification: Uncertain significance. Last evaluated: 2022-08-06. Review status: criteria provided, single submitter. Criteria: Invitae Variant Classification Sherloc (09022015). Collection method: clinical testing. Allele origin: germline.
Comment: This sequence change replaces asparagine, which is neutral and polar, with serine, which is neutral and polar, at codon 513 of the SLC25A12 protein (p.Asn513Ser). This variant is present in population databases (rs374768423, gnomAD 0.01%). This variant has not been reported in the literature in individuals affected with SLC25A12-related conditions. ClinVar contains an entry for this variant (Variation ID: 853749). Algorithms developed to predict the effect of missense changes on protein structure and function output the following: SIFT: "Tolerated"; PolyPhen-2: "Benign"; Align-GVGD: "Class C0". The serine amino acid residue is found in multiple mammalian species, which suggests that this missense change does not adversely affect protein function. In summary, the available evidence is currently insufficient to determine the role of this variant in disease. Therefore, it has been classified as a Variant of Uncertain Significance.

NM_003705.5(SLC25A12):c.1538A>G (p.Asn513Ser)

Gene: SLC25A12 (solute carrier family 25 member 12; minus strand). Cytogenetic location: 2q31.1.
Variant type: single nucleotide variant.
Coding change: c.1538A>G on transcript NM_003705.5 (MANE Select); coding-DNA position 1538, A replaced by G.
Protein change: p.Asn513Ser; replaces asparagine 513 with serine.
Molecular consequence: missense variant. On other transcripts: non-coding transcript variant (1).
Genome position (GRCh38, 1-based): chr2:171,791,498, T>C on the plus strand (A>G on the coding strand, the complement: SLC25A12 is on the minus strand). VCF-style: chr2-171791498-T-C. GRCh37 (hg19) VCF-style: chr2-172648008-T-C.
Other names: short protein forms N513S.
Identifiers: ClinVar variation 853749 (VCV000853749.5), dbSNP rs374768423, ClinGen allele CA1966091.
Genomic context (GRCh38, chr2:171,791,498, plus strand): 5'-AATTTGTAGTTACCTGCCATGGCTCCAGCTGCAAGAAGATTTAAACCTCCCACGTGTCCA[T>C]TTTCATCAGCCAGAAGTAGTTTGCAATGAGCATAAACAGGAAAATAGATTGCAGAGAAGG-3'
Protein context (NP_003696.2, residues 503-523): AHCKLLLADE[Asn513Ser]GHVGGLNLLA